The following is an entry in ClinVar:

NM_001605.3(AARS1):c.2330T>C (p.Met777Thr)

Gene: AARS1 (alanyl-tRNA synthetase 1; minus strand). Cytogenetic location: 16q22.1.
Variant type: single nucleotide variant.
Coding change: c.2330T>C on transcript NM_001605.3 (MANE Select); coding-DNA position 2330, T replaced by C.
Protein change: p.Met777Thr; replaces methionine 777 with threonine.
Molecular consequence: missense variant.
Genome position (GRCh38, 1-based): chr16:70,254,691, A>G on the plus strand (T>C on the coding strand, the complement: AARS1 is on the minus strand). VCF-style: chr16-70254691-A-G. GRCh37 (hg19) VCF-style: chr16-70288594-A-G.
Other names: short protein forms M777T.
Identifiers: ClinVar variation 1682139 (VCV001682139.8), dbSNP rs573846062, ClinGen allele CA8140461.

ClinVar aggregate classification (germline): Uncertain significance (1 of 4 stars; one submission).

Conditions:
Charcot-Marie-Tooth disease type 2. Also called: Charcot-Marie-Tooth type 2. Identifiers: Orphanet 64746, MedGen C0270914, MONDO:0018993.

Allele frequency attached by ClinVar (database versions not stated): 1000 Genomes Project 0.00020; gnomAD 0.00001; 1000 Genomes Project 30x 0.00016; gnomAD exomes below 0.00001; ExAC 0.00002.

Submission:

Labcorp Genetics (formerly Invitae), Labcorp
Classification: Uncertain significance for Charcot-Marie-Tooth disease type 2. Last evaluated: 2024-12-02. Review status: criteria provided, single submitter. Criteria: Invitae Variant Classification Sherloc (09022015). Collection method: clinical testing. Allele origin: germline.
Comment: This sequence change replaces methionine, which is neutral and non-polar, with threonine, which is neutral and polar, at codon 777 of the AARS protein (p.Met777Thr). This variant is present in population databases (rs573846062, gnomAD 0.003%). This variant has not been reported in the literature in individuals affected with AARS-related conditions. ClinVar contains an entry for this variant (Variation ID: 1682139). Invitae Evidence Modeling of protein sequence and biophysical properties (such as structural, functional, and spatial information, amino acid conservation, physicochemical variation, residue mobility, and thermodynamic stability) indicates that this missense variant is not expected to disrupt AARS protein function with a negative predictive value of 95%. In summary, the available evidence is currently insufficient to determine the role of this variant in disease. Therefore, it has been classified as a Variant of Uncertain Significance.